The following is an entry in ClinVar:

NM_000466.3(PEX1):c.1360-4G>T

Gene: PEX1 (peroxisomal biogenesis factor 1; minus strand). Cytogenetic location: 7q21.2.
Variant type: single nucleotide variant.
Coding change: c.1360-4G>T on transcript NM_000466.3 (MANE Select); 4 bases into the intron before coding-DNA position 1360, G replaced by T.
Molecular consequence: intron variant.
Genome position (GRCh38, 1-based): chr7:92,511,707, C>A on the plus strand (G>T on the coding strand, the complement: PEX1 is on the minus strand). VCF-style: chr7-92511707-C-A. GRCh37 (hg19) VCF-style: chr7-92141021-C-A.
Other names: c.1360-4G>T (NM_001282677.2); c.736-4G>T (NM_001282678.2).
Identifiers: ClinVar variation 288457 (VCV000288457.25), dbSNP rs199716270, ClinGen allele CA4341413.
Genomic context (GRCh38, chr7:92,511,707, plus strand): 5'-CTGCTGTAGCCATGAATAAAATACAGTTTTTATGTCTTCTTCACTTATGTCTTTAGGCTG[C>A]CAGAAAAAGGAATAGTAATGAATTATCCTCATATCTGAACTTAACTTTAACACCCTTATT-3'

ClinVar aggregate classification (germline): Conflicting classifications of pathogenicity. Review status: criteria provided, conflicting classifications (1 of 4 stars). 8 submissions from 8 submitters: Uncertain significance (2); Likely benign (5). 1 of the submissions does not count toward it. Last evaluated 2026-01-29.

Conditions:
Inborn genetic diseases. Identifiers: MedGen C0950123, MeSH D030342.
PEX1-related disorder. Also called: PEX1-related condition.
Peroxisome biogenesis disorder. Identifiers: Orphanet 79189, MedGen C1832200, MONDO:0019234. Disease mechanism: loss of function.
Peroxisome biogenesis disorder 1A (Zellweger) (PBD1A). Also called: Zellweger leukodystrophy; Peroxisome biogenesis disorder 1a. Identifiers: MedGen C4721541, MONDO:0008953, OMIM 214100.
Zellweger spectrum disorders (ZS). Also called: Zellweger Spectrum Disorder; Zellweger Spectrum; Zellweger syndrome; Zellweger Spectrum Disorder (ZSD). Identifiers: Orphanet 912, MedGen C0043459, MONDO:0019609.

Allele frequency attached by ClinVar (database versions not stated): TOPMed 0.00031; gnomAD 0.00034 and 0.00038; gnomAD exomes 0.00038; ExAC 0.00040; ESP Exome Variant Server 0.00046.
gnomAD v4.1: 1,191 of 1,609,636 alleles (0.074%); highest among the groups gnomAD compares: Non-Finnish European, 0.097%; 2 homozygotes.

Submissions (8):

Labcorp Genetics (formerly Invitae), Labcorp
Classification: Likely benign for Zellweger spectrum disorders. Last evaluated: 2026-01-29. Review status: criteria provided, single submitter. Criteria: Invitae Variant Classification Sherloc (09022015). Collection method: clinical testing. Allele origin: germline.

Blueprint Genetics
Classification: Likely benign. Last evaluated: 2024-09-17. Review status: criteria provided, single submitter. Criteria: ACMG Guidelines, 2015. Collection method: clinical testing. Allele origin: germline.

ARUP Laboratories, Molecular Genetics and Genomics, ARUP Laboratories
Classification: Likely benign. Last evaluated: 2024-05-01. Review status: criteria provided, single submitter. Criteria: ARUP Molecular Germline Variant Investigation Process 2024. Collection method: clinical testing. Allele origin: germline.

Ambry Genetics
Classification: Likely benign for Inborn genetic diseases. Last evaluated: 2022-09-12. Review status: criteria provided, single submitter. Criteria: Ambry Variant Classification Scheme 2023. Collection method: clinical testing. Allele origin: germline.

Department of Pathology and Laboratory Medicine, Sinai Health System
Classification: Likely benign for peroxisome biogenesis disorder. Last evaluated: 2021-10-21. Review status: criteria provided, single submitter. Criteria: ACMG Guidelines, 2015. Collection method: research. Allele origin: germline.

Illumina Laboratory Services, Illumina
Classification: Uncertain significance for Peroxisome biogenesis disorder 1A (Zellweger). Last evaluated: 2018-01-13. Review status: criteria provided, single submitter. Criteria: ICSL Variant Classification Criteria 13 December 2019. Collection method: clinical testing. Allele origin: germline.

Eurofins Ntd Llc (ga)
Classification: Uncertain significance. Last evaluated: 2017-12-21. Review status: criteria provided, single submitter. Criteria: EGL Classification Definitions 2015. Collection method: clinical testing. Allele origin: germline. Observed: 3 variant alleles, 3 heterozygotes.

PreventionGenetics, part of Exact Sciences
Classification: Likely benign for PEX1-related condition. Last evaluated: 2020-08-20. Review status: no assertion criteria provided. Collection method: clinical testing. Allele origin: germline. Not counted in ClinVar's aggregate classification.
Comment: This variant is classified as likely benign based on ACMG/AMP sequence variant interpretation guidelines (Richards et al. 2015 PMID: 25741868, with internal and published modifications).